The following is an entry in ClinVar:

ClinVar aggregate classification (germline): Uncertain significance (1 of 4 stars; one submission).

Conditions:
Neuromuscular disease. Also called: Neuromuscular disorder; Neuromyopathy. Identifiers: Orphanet 68381, MedGen C0027868, MeSH D009468, MONDO:0019056.

gnomAD v4.1: 8 of 1,613,658 alleles (0.0005%); highest among the groups gnomAD compares: Non-Finnish European, 0.00068%; no homozygotes.

Submission:

Broad Center for Mendelian Genomics, Broad Institute of MIT and Harvard
Classification: Uncertain significance for Neuromuscular disease. Last evaluated: 2024-11-22. Review status: criteria provided, single submitter. Criteria: ACMG Guidelines, 2015. Collection method: curation. Allele origin: germline. Inheritance: Autosomal recessive inheritance. Study: GREGoR Consortium.
Comment: While this gene is still lacking sufficient evidence to establish a gene-disease relationship, we believe this is a possible novel gene candidate for neuromuscular disease. Given the limited information about this gene-disease relationship, the significance of the c.751-5A>G variant is uncertain. If you have any additional information about functional evidence or other individuals with this phenotype that also have variants in ACER3 we encourage you to reach out to us.

NM_018367.7(ACER3):c.751-5A>G

Gene: ACER3 (alkaline ceramidase 3; plus strand). Cytogenetic location: 11q13.5.
Variant type: single nucleotide variant.
Coding change: c.751-5A>G on transcript NM_018367.7 (MANE Select); 5 bases into the intron before coding-DNA position 751, A replaced by G.
Molecular consequence: intron variant.
Genome position (GRCh38, 1-based): chr11:77,020,269, A>G. VCF-style: chr11-77020269-A-G. GRCh37 (hg19) VCF-style: chr11-76731313-A-G.
Other names: NM_001300955.2:c.466-5A>G; c.466-5A>G (NM_001300954.2, NM_001300955.2); c.640-5A>G (NM_001300953.2).
Identifiers: ClinVar variation 3383278 (VCV003383278.1).